The following is an entry in ClinVar:

ClinVar aggregate classification (germline): Uncertain significance (1 of 4 stars; one submission).

Conditions:
Deficiency of alpha-mannosidase (MANSA). Also called: Alpha-Mannosidosis; Mannosidosis, alpha-, types I and II; LYSOSOMAL ALPHA-D-MANNOSIDASE DEFICIENCY. Identifiers: Orphanet 61, MedGen C0024748, MONDO:0009561, OMIM 248500.

Submission:

Labcorp Genetics (formerly Invitae), Labcorp
Classification: Uncertain significance for Deficiency of alpha-mannosidase. Last evaluated: 2022-05-24. Review status: criteria provided, single submitter. Criteria: Invitae Variant Classification Sherloc (09022015). Collection method: clinical testing. Allele origin: germline.
Comment: This variant, c.1375_1377del, results in the deletion of 1 amino acid(s) of the MAN2B1 protein (p.Asn459del), but otherwise preserves the integrity of the reading frame. This variant is not present in population databases (gnomAD no frequency). This variant has not been reported in the literature in individuals affected with MAN2B1-related conditions. In summary, the available evidence is currently insufficient to determine the role of this variant in disease. Therefore, it has been classified as a Variant of Uncertain Significance. Experimental studies and prediction algorithms are not available or were not evaluated, and the functional significance of this variant is currently unknown.

NM_000528.4(MAN2B1):c.1375_1377del (p.Asn459del)

Genes: MAN2B1 (mannosidase alpha class 2B member 1; minus strand), LOC129391064 (MPRA-validated peak3365 silencer; plus strand). Cytogenetic location: 19p13.13.
Variant type: Deletion.
Coding change: c.1375_1377del on transcript NM_000528.4 (MANE Select); coding-DNA positions 1375 to 1377, 3 bases deleted (AAC; older notation c.1375_1377delAAC).
Protein change: p.Asn459del; deletes asparagine 459.
Molecular consequence: inframe deletion.
Genome position (GRCh38, 1-based): chr19:12,657,488-12,657,490, GTT deleted on the plus strand (AAC on the coding strand, the reverse complement: MAN2B1 is on the minus strand); deleting any 3 consecutive bases within chr19:12,657,488-12,657,491 gives the same sequence; the c. name uses the placement nearest the transcript's 3' end. VCF-style (leftmost placement, unchanged base first): chr19-12657487-CGTT-C. GRCh37 (hg19) VCF-style: chr19-12768301-CGTT-C.
Other names: c.1372_1374del, p.Asn458del (NM_001173498.2); short protein forms N459del, N458del.
Identifiers: ClinVar variation 1998380 (VCV001998380.4), dbSNP rs2023995909, ClinGen allele CA2323503793.